The following is an entry in ClinVar:

ClinVar aggregate classification (germline): Uncertain significance (1 of 4 stars; one submission).

Submission:

Labcorp Genetics (formerly Invitae), Labcorp
Classification: Uncertain significance. Last evaluated: 2024-06-08. Review status: criteria provided, single submitter. Criteria: Invitae Variant Classification Sherloc (09022015). Collection method: clinical testing. Allele origin: germline.
Comment: This sequence change replaces glutamic acid, which is acidic and polar, with glycine, which is neutral and non-polar, at codon 58 of the PACS2 protein (p.Glu58Gly). This variant is not present in population databases (gnomAD no frequency). This variant has not been reported in the literature in individuals affected with PACS2-related conditions. Algorithms developed to predict the effect of missense changes on protein structure and function output the following: SIFT: "Not Available"; PolyPhen-2: "Benign"; Align-GVGD: "Not Available". The glycine amino acid residue is found in multiple mammalian species, which suggests that this missense change does not adversely affect protein function. In summary, the available evidence is currently insufficient to determine the role of this variant in disease. Therefore, it has been classified as a Variant of Uncertain Significance.

NM_001100913.3(PACS2):c.173A>G (p.Glu58Gly)

Gene: PACS2 (phosphofurin acidic cluster sorting protein 2; plus strand). Cytogenetic location: 14q32.33.
Variant type: single nucleotide variant.
Coding change: c.173A>G on transcript NM_001100913.3 (MANE Select); coding-DNA position 173, A replaced by G.
Protein change: p.Glu58Gly; replaces glutamic acid 58 with glycine.
Molecular consequence: missense variant. On other transcripts: 5 prime UTR variant (1).
Genome position (GRCh38, 1-based): chr14:105,348,546, A>G. VCF-style: chr14-105348546-A-G. GRCh37 (hg19) VCF-style: chr14-105814883-A-G.
Other names: c.-29A>G (NM_001243127.3); c.173A>G, p.Glu58Gly (NM_015197.4); short protein forms E58G.
Identifiers: ClinVar variation 3669403 (VCV003669403.2).